The following is an entry in ClinVar:

ClinVar aggregate classification (germline): Uncertain significance (1 of 4 stars; one submission).

Submission:

CeGaT Center for Human Genetics Tuebingen
Classification: Uncertain significance. Last evaluated: 2022-07-01. Review status: criteria provided, single submitter. Criteria: CeGaT Center For Human Genetics Tuebingen Variant Classification Criteria Version 2. Collection method: clinical testing. Allele origin: germline. Affected: yes. Observed: 1 variant allele.
Comment: ACOT9: PM2

NM_001037171.2(ACOT9):c.845C>T (p.Thr282Ile)

Gene: ACOT9 (acyl-CoA thioesterase 9; minus strand). Cytogenetic location: Xp22.11.
Variant type: single nucleotide variant.
Coding change: c.845C>T on transcript NM_001037171.2 (MANE Select); coding-DNA position 845, C replaced by T.
Protein change: p.Thr282Ile; replaces threonine 282 with isoleucine.
Molecular consequence: missense variant.
Genome position (GRCh38, 1-based): chrX:23,705,856, G>A on the plus strand (C>T on the coding strand, the complement: ACOT9 is on the minus strand). VCF-style: chrX-23705856-G-A. GRCh37 (hg19) VCF-style: chrX-23723973-G-A.
Other names: c.818C>T, p.Thr273Ile (NM_001033583.3); c.638C>T, p.Thr213Ile (NM_001330259.2); short protein forms T213I, T273I, T282I.
Identifiers: ClinVar variation 2660170 (VCV002660170.24), dbSNP rs2518639196, ClinGen allele CA412521331.